The following is an entry in ClinVar:

NM_173628.4(DNAH17):c.5544C>T (p.Pro1848=)

Genes: DNAH17 (dynein axonemal heavy chain 17; minus strand), DNAH17-AS1 (DNAH17 antisense RNA 1; plus strand). Cytogenetic location: 17q25.3.
Variant type: single nucleotide variant.
Coding change: c.5544C>T on transcript NM_173628.4 (MANE Select); coding-DNA position 5544, C replaced by T.
Protein change: p.Pro1848=; no amino-acid change (proline 1848 retained).
Molecular consequence: synonymous variant. On other transcripts: non-coding transcript variant (1).
Genome position (GRCh38, 1-based): chr17:78,500,401, G>A on the plus strand (C>T on the coding strand, the complement: DNAH17 is on the minus strand). VCF-style: chr17-78500401-G-A. GRCh37 (hg19) VCF-style: chr17-76496483-G-A.
Identifiers: ClinVar variation 3053462 (VCV003053462.2), dbSNP rs189854529, ClinGen allele CA8803208.

ClinVar aggregate classification (germline): Likely benign (0 of 4 stars; one submission).

Conditions:
DNAH17-related disorder. Also called: DNAH17-related condition.

Allele frequency attached by ClinVar (database versions not stated): gnomAD exomes 0.00003; ExAC 0.00012; gnomAD 0.00023; ESP Exome Variant Server 0.00025; TOPMed 0.00031; 1000 Genomes Project 30x 0.00047; 1000 Genomes Project 0.00060.
gnomAD v4.1: 89 of 1,610,728 alleles (0.0055%); highest among the groups gnomAD compares: African/African-American, 0.068%; no homozygotes.

Submission:

PreventionGenetics, part of Exact Sciences
Classification: Likely benign for DNAH17-related condition. Last evaluated: 2019-08-26. Review status: no assertion criteria provided. Collection method: clinical testing. Allele origin: germline.
Comment: This variant is classified as likely benign based on ACMG/AMP sequence variant interpretation guidelines (Richards et al. 2015 PMID: 25741868, with internal and published modifications).